The following is an entry in ClinVar:

ClinVar aggregate classification (germline): Uncertain significance (1 of 4 stars; one submission).

Allele frequency attached by ClinVar (database versions not stated): gnomAD exomes 0.00001.
gnomAD v4.1: 11 of 1,612,818 alleles (0.00068%); highest among the groups gnomAD compares: Non-Finnish European, 0.00093%; no homozygotes.

Submission:

Labcorp Genetics (formerly Invitae), Labcorp
Classification: Uncertain significance. Last evaluated: 2022-10-29. Review status: criteria provided, single submitter. Criteria: Invitae Variant Classification Sherloc (09022015). Collection method: clinical testing. Allele origin: germline.
Comment: In summary, the available evidence is currently insufficient to determine the role of this variant in disease. Therefore, it has been classified as a Variant of Uncertain Significance. Advanced modeling of protein sequence and biophysical properties (such as structural, functional, and spatial information, amino acid conservation, physicochemical variation, residue mobility, and thermodynamic stability) performed at Invitae indicates that this missense variant is not expected to disrupt FZD2 protein function. This variant has not been reported in the literature in individuals affected with FZD2-related conditions. This variant is not present in population databases (gnomAD no frequency). This sequence change replaces valine, which is neutral and non-polar, with alanine, which is neutral and non-polar, at codon 304 of the FZD2 protein (p.Val304Ala).

NM_001466.4(FZD2):c.911T>C (p.Val304Ala)

Gene: FZD2 (frizzled class receptor 2; plus strand). Cytogenetic location: 17q21.31.
Variant type: single nucleotide variant.
Coding change: c.911T>C on transcript NM_001466.4 (MANE Select); coding-DNA position 911, T replaced by C.
Protein change: p.Val304Ala; replaces valine 304 with alanine.
Molecular consequence: missense variant.
Genome position (GRCh38, 1-based): chr17:44,558,599, T>C. VCF-style: chr17-44558599-T-C. GRCh37 (hg19) VCF-style: chr17-42635967-T-C.
Other names: short protein forms V304A.
Identifiers: ClinVar variation 2124392 (VCV002124392.4), dbSNP rs2544584370, ClinGen allele CA399795605.
Genomic context (GRCh38, chr17:44,558,599, plus strand): 5'-CGGGCTGCTACACCATGGTGTCGGTGGCCTACATCGCGGGCTTCGTGCTCCAGGAGCGCG[T>C]GGTGTGCAACGAGCGCTTCTCCGAGGACGGTTACCGCACGGTGGTGCAGGGCACCAAGAA-3'
Protein context (NP_001457.1, residues 294-314): YIAGFVLQER[Val304Ala]VCNERFSEDG